The following is an entry in ClinVar:

NM_001377.3(DYNC2H1):c.8729T>C (p.Leu2910Pro)

Gene: DYNC2H1 (dynein cytoplasmic 2 heavy chain 1; plus strand). Cytogenetic location: 11q22.3.
Variant type: single nucleotide variant.
Coding change: c.8729T>C on transcript NM_001377.3 (MANE Select); coding-DNA position 8729, T replaced by C.
Protein change: p.Leu2910Pro; replaces leucine 2910 with proline.
Molecular consequence: missense variant.
Genome position (GRCh38, 1-based): chr11:103,215,755, T>C. VCF-style: chr11-103215755-T-C. GRCh37 (hg19) VCF-style: chr11-103086484-T-C.
Other names: c.8729T>C, p.Leu2910Pro (NM_001080463.2); short protein forms L2910P.
Identifiers: ClinVar variation 446587 (VCV000446587.9), dbSNP rs1555071484, ClinGen allele CA382261264.

ClinVar aggregate classification (germline): Likely pathogenic. Review status: criteria provided, single submitter (1 of 4 stars). 3 submissions from 3 submitters: Likely pathogenic (1). 2 of the submissions do not count toward it. Last evaluated 2021-09-23.

Conditions:
Jeune thoracic dystrophy. Also called: Jeune syndrome; Infantile thoracic dystrophy; Thoracic pelvic phalangeal dystrophy; Jeune's syndrome; Chondroectodermal dysplasia-like syndrome; Short-rib thoracic dysplasia. Identifiers: Orphanet 474, MedGen C0265275, MONDO:0018770.
Asphyxiating thoracic dystrophy 3. Also called: POLYDACTYLY WITH NEONATAL CHONDRODYSTROPHY, TYPE I; Saldino-Noonan Syndrome; Short rib polydactyly syndrome 2B; SHORT-RIB THORACIC DYSPLASIA 3/6 WITH POLYDACTYLY, DIGENIC; SHORT-RIB THORACIC DYSPLASIA 3 WITH OR WITHOUT POLYDACTYLY. Identifiers: Orphanet 474, Orphanet 93269, Orphanet 93270, Orphanet 93271, MedGen C0036069, MONDO:0013127, OMIM 613091.

Submissions (3):

Labcorp Genetics (formerly Invitae), Labcorp
Classification: Likely pathogenic for Jeune thoracic dystrophy. Last evaluated: 2021-09-23. Review status: criteria provided, single submitter. Criteria: Invitae Variant Classification Sherloc (09022015). Collection method: clinical testing. Allele origin: germline.
Comment: This variant has been observed in individual(s) with clinical features of short-rib thoracic dysplasia with or without polydactyly (Invitae). In at least one individual the data is consistent with the variant being in trans (on the opposite chromosome) from a pathogenic variant. In summary, the currently available evidence indicates that the variant is pathogenic, but additional data are needed to prove that conclusively. Therefore, this variant has been classified as Likely Pathogenic. Algorithms developed to predict the effect of missense changes on protein structure and function are either unavailable or do not agree on the potential impact of this missense change (SIFT: "Deleterious"; PolyPhen-2: "Probably Damaging"; Align-GVGD: "Class C0"). ClinVar contains an entry for this variant (Variation ID: 446587). This variant is not present in population databases (ExAC no frequency). This sequence change replaces leucine with proline at codon 2910 of the DYNC2H1 protein (p.Leu2910Pro). The leucine residue is highly conserved and there is a moderate physicochemical difference between leucine and proline.

Dan Cohn Lab, University Of California Los Angeles
Classification: Pathogenic for Asphyxiating thoracic dystrophy 3. Last evaluated: 2017-06-01. Review status: no assertion criteria provided. Collection method: research. Allele origin: paternal. Affected: yes. Not counted in ClinVar's aggregate classification.

University of Washington Center for Mendelian Genomics, University of Washington
Classification: Likely pathogenic for Asphyxiating thoracic dystrophy 3. Review status: no assertion criteria provided. Collection method: research. Allele origin: inherited. Affected: yes. Not counted in ClinVar's aggregate classification.

Literature cited by the submitters: PubMed 29068549 (cited by Dan Cohn Lab, University Of California Los Angeles and University of Washington Center for Mendelian Genomics, University of Washington).